The following is an entry in ClinVar:

NM_001303256.3(MORC2):c.2644G>C (p.Ala882Pro)

Gene: MORC2 (MORC family CW-type zinc finger 2; minus strand). Cytogenetic location: 22q12.2.
Variant type: single nucleotide variant.
Coding change: c.2644G>C on transcript NM_001303256.3 (MANE Select); coding-DNA position 2644, G replaced by C.
Protein change: p.Ala882Pro; replaces alanine 882 with proline.
Molecular consequence: missense variant.
Genome position (GRCh38, 1-based): chr22:30,932,648, C>G on the plus strand (G>C on the coding strand, the complement: MORC2 is on the minus strand). VCF-style: chr22-30932648-C-G. GRCh37 (hg19) VCF-style: chr22-31328635-C-G.
Other names: c.2644G>C, p.Ala882Pro (NM_001303257.2); c.2458G>C, p.Ala820Pro (NM_014941.3); short protein forms A820P, A882P.
Identifiers: ClinVar variation 2726565 (VCV002726565.3), dbSNP rs372199572, ClinGen allele CA10186605.
Genomic context (GRCh38, chr22:30,932,648, plus strand): 5'-TCAGGGCAGTGGTGTCAGGCTCAATGCGGAGGCATTCGGAAGTGGAGGGCTCTGCGACAG[C>G]TATGGCCTGCTGGGCCACAGGGCCCACCTCCTCCTCCCCGCCCTCCTGTTGTGTATCAAG-3'
Protein context (NP_001290185.1, residues 872-892): EVGPVAQQAI[Ala882Pro]VAEPSTSECL

ClinVar aggregate classification (germline): Uncertain significance (1 of 4 stars; one submission).

Conditions:
Charcot-Marie-Tooth disease axonal type 2Z. Also called: CHARCOT-MARIE-TOOTH DISEASE, AXONAL, AUTOSOMAL DOMINANT, TYPE 2Z; CHARCOT-MARIE-TOOTH NEUROPATHY, TYPE 2Z. Identifiers: Orphanet 466768, MedGen C5569025, MONDO:0014736, OMIM 616688.

Allele frequency attached by ClinVar (database versions not stated): ESP Exome Variant Server 0.00008.
gnomAD v4.1: 4 of 1,614,196 alleles (0.00025%); highest among the groups gnomAD compares: Non-Finnish European, 0.00034%; no homozygotes.

Submission:

Labcorp Genetics (formerly Invitae), Labcorp
Classification: Uncertain significance for Charcot-Marie-Tooth disease axonal type 2Z. Last evaluated: 2023-11-17. Review status: criteria provided, single submitter. Criteria: Invitae Variant Classification Sherloc (09022015). Collection method: clinical testing. Allele origin: germline.
Comment: This sequence change replaces alanine, which is neutral and non-polar, with proline, which is neutral and non-polar, at codon 882 of the MORC2 protein (p.Ala882Pro). This variant is present in population databases (rs372199572, gnomAD 0.002%). This variant has not been reported in the literature in individuals affected with MORC2-related conditions. Advanced modeling of protein sequence and biophysical properties (such as structural, functional, and spatial information, amino acid conservation, physicochemical variation, residue mobility, and thermodynamic stability) has been performed at Invitae for this missense variant, however the output from this modeling did not meet the statistical confidence thresholds required to predict the impact of this variant on MORC2 protein function. In summary, the available evidence is currently insufficient to determine the role of this variant in disease. Therefore, it has been classified as a Variant of Uncertain Significance.